The following is an entry in ClinVar:

ClinVar aggregate classification (germline): Likely benign. Review status: criteria provided, multiple submitters, no conflicts (2 of 4 stars). 2 submissions from 2 submitters: Likely benign (2). Last evaluated 2018-06-14.

Allele frequency attached by ClinVar (database versions not stated): gnomAD 0.01066 and 0.01126; TOPMed 0.01241; 1000 Genomes Project 30x 0.01140; 1000 Genomes Project 0.01178.
gnomAD v4.1: 9,812 of 679,676 alleles (1.4%); highest among the groups gnomAD compares: Middle Eastern, 5.8%; 136 homozygotes.

Submissions (2):

GeneDx
Classification: Likely benign. Last evaluated: 2018-06-14. Review status: criteria provided, single submitter. Criteria: GeneDx Variant Classification (06012015). Collection method: clinical testing. Allele origin: germline. Affected: yes.
Comment: This variant is considered likely benign or benign based on one or more of the following criteria: it is a conservative change, it occurs at a poorly conserved position in the protein, it is predicted to be benign by multiple in silico algorithms, and/or has population frequency not consistent with disease.

Breakthrough Genomics
Classification: Likely benign. Review status: criteria provided, single submitter. Criteria: ACMG Guidelines, 2015. Collection method: not provided. Allele origin: germline. Inheritance: Autosomal dominant inheritance. Affected: yes.

NM_001851.6(COL9A1):c.1927-171C>T

Gene: COL9A1 (collagen type IX alpha 1 chain; minus strand). Cytogenetic location: 6q13.
Variant type: single nucleotide variant.
Coding change: c.1927-171C>T on transcript NM_001851.6 (MANE Select); 171 bases into the intron before coding-DNA position 1927, C replaced by T.
Molecular consequence: intron variant.
Genome position (GRCh38, 1-based): chr6:70,242,206, G>A on the plus strand (C>T on the coding strand, the complement: COL9A1 is on the minus strand). VCF-style: chr6-70242206-G-A. GRCh37 (hg19) VCF-style: chr6-70951909-G-A.
Other names: c.1198-171C>T (NM_001377290.1, NM_078485.4); c.1228-171C>T (NM_001377289.1).
Identifiers: ClinVar variation 677992 (VCV000677992.2), dbSNP rs150796746, ClinGen allele CA140860056.
Genomic context (GRCh38, chr6:70,242,206, plus strand): 5'-GGTTGGTTGAACTCTGCTTCTTGGGTTTGCCTCTCTTTCATATTCTCAGGAGAAGAGGGC[G>A]GGGCCAATGTTCTCCCAGCCTTCACTCCACCCTAAGGTCCTCAGTTCCCCTTGCACTCCT-3'